The following is an entry in ClinVar:

NM_015311.3(OBSL1):c.3295G>A (p.Val1099Met)

Gene: OBSL1 (obscurin like cytoskeletal adaptor 1; minus strand). Cytogenetic location: 2q35.
Variant type: single nucleotide variant.
Coding change: c.3295G>A on transcript NM_015311.3 (MANE Select); coding-DNA position 3295, G replaced by A.
Protein change: p.Val1099Met; replaces valine 1099 with methionine.
Molecular consequence: missense variant.
Genome position (GRCh38, 1-based): chr2:219,558,391, C>T on the plus strand (G>A on the coding strand, the complement: OBSL1 is on the minus strand). VCF-style: chr2-219558391-C-T. GRCh37 (hg19) VCF-style: chr2-220423113-C-T.
Other names: c.3295G>A, p.Val1099Met (NM_001173431.2); short protein forms V1099M.
Identifiers: ClinVar variation 1432475 (VCV001432475.6), dbSNP rs759494566, ClinGen allele CA2130902.

ClinVar aggregate classification (germline): Uncertain significance (1 of 4 stars; one submission).

Allele frequency attached by ClinVar (database versions not stated): gnomAD 0.00001 and 0.00003; TOPMed 0.00005; ExAC 0.00011; gnomAD exomes 0.00011.
gnomAD v4.1: 73 of 1,607,594 alleles (0.0045%); highest among the groups gnomAD compares: South Asian, 0.052%; 1 homozygote.

Submission:

Labcorp Genetics (formerly Invitae), Labcorp
Classification: Uncertain significance. Last evaluated: 2025-05-05. Review status: criteria provided, single submitter. Criteria: Invitae Variant Classification Sherloc (09022015). Collection method: clinical testing. Allele origin: germline.
Comment: This sequence change replaces valine, which is neutral and non-polar, with methionine, which is neutral and non-polar, at codon 1099 of the OBSL1 protein (p.Val1099Met). This variant is present in population databases (rs759494566, gnomAD 0.05%). This variant has not been reported in the literature in individuals affected with OBSL1-related conditions. ClinVar contains an entry for this variant (Variation ID: 1432475). An algorithm developed to predict the effect of missense changes on protein structure and function (PolyPhen-2) suggests that this variant is likely to be disruptive. In summary, the available evidence is currently insufficient to determine the role of this variant in disease. Therefore, it has been classified as a Variant of Uncertain Significance.